The following is an entry in ClinVar:

NM_025215.6(PUS1):c.1008G>A (p.Glu336=)

Gene: PUS1 (pseudouridine synthase 1; plus strand). Cytogenetic location: 12q24.33.
Variant type: single nucleotide variant.
Coding change: c.1008G>A on transcript NM_025215.6 (MANE Select); coding-DNA position 1008, G replaced by A.
Protein change: p.Glu336=; no amino-acid change (glutamic acid 336 retained).
Molecular consequence: synonymous variant.
Genome position (GRCh38, 1-based): chr12:131,941,755, G>A. VCF-style: chr12-131941755-G-A. GRCh37 (hg19) VCF-style: chr12-132426300-G-A.
Other names: c.924G>A, p.Glu308= (NM_001002019.3, NM_001002020.3).
Identifiers: ClinVar variation 787676 (VCV000787676.19), dbSNP rs145430883, ClinGen allele CA6884293.
Genomic context (GRCh38, chr12:131,941,755, plus strand): 5'-CAGCTGGGGCACAGAGAAGGTGGACGTGCCCAAGGCGCCCGGACTCGGCCTGGTCCTGGA[G>A]AGGGTGCACTTCGAGAAGTACAACCAGCGCTTTGGCAACGATGGGCTGCATGAGCCGCTG-3'
Protein context (NP_079491.2, residues 326-346): PKAPGLGLVL[Glu336=]RVHFEKYNQR

ClinVar aggregate classification (germline): Conflicting classifications of pathogenicity. Review status: criteria provided, conflicting classifications (1 of 4 stars). 6 submissions from 6 submitters: Uncertain significance (1); Benign (2); Likely benign (1). 2 of the submissions do not count toward it. Last evaluated 2026-02-02.

Conditions:
PUS1-related disorder. Also called: PUS1-related condition.
Myopathy, lactic acidosis, and sideroblastic anemia 1 (MLASA1). Identifiers: Orphanet 2598, MedGen C4551958, MONDO:0024553, OMIM 600462.

Allele frequency attached by ClinVar (database versions not stated): gnomAD exomes 0.00053; ExAC 0.00054; TOPMed 0.00065; gnomAD 0.00072 and 0.00076; ESP Exome Variant Server 0.00100.
gnomAD v4.1: 1,649 of 1,613,874 alleles (0.1%); highest among the groups gnomAD compares: Non-Finnish European, 0.13%; 2 homozygotes.

Submissions (6):

Labcorp Genetics (formerly Invitae), Labcorp
Classification: Benign. Last evaluated: 2026-02-02. Review status: criteria provided, single submitter. Criteria: Invitae Variant Classification Sherloc (09022015). Collection method: clinical testing. Allele origin: germline.

Blueprint Genetics
Classification: Likely benign. Last evaluated: 2024-09-09. Review status: criteria provided, single submitter. Criteria: ACMG Guidelines, 2015. Collection method: clinical testing. Allele origin: germline.

Illumina Laboratory Services, Illumina
Classification: Uncertain significance for Myopathy, lactic acidosis, and sideroblastic anemia 1. Last evaluated: 2018-01-12. Review status: criteria provided, single submitter. Criteria: ICSL Variant Classification Criteria 13 December 2019. Collection method: clinical testing. Allele origin: germline.

GeneDx
Classification: Benign. Last evaluated: 2015-03-03. Review status: criteria provided, single submitter. Criteria: GeneDx Variant Classification Process June 2021. Collection method: clinical testing. Allele origin: germline. Affected: yes.

Natera, Inc.
Classification: Benign for Myopathy, lactic acidosis, and sideroblastic anemia 1. Last evaluated: 2020-01-08. Review status: no assertion criteria provided. Collection method: clinical testing. Allele origin: germline. Not counted in ClinVar's aggregate classification.

PreventionGenetics, part of Exact Sciences
Classification: Likely benign for PUS1-related condition. Last evaluated: 2019-07-12. Review status: no assertion criteria provided. Collection method: clinical testing. Allele origin: germline. Not counted in ClinVar's aggregate classification.
Comment: This variant is classified as likely benign based on ACMG/AMP sequence variant interpretation guidelines (Richards et al. 2015 PMID: 25741868, with internal and published modifications).